The following is an entry in ClinVar:

NM_001367624.2(ZNF469):c.8017G>C (p.Ala2673Pro)

Gene: ZNF469 (zinc finger protein 469; plus strand). Cytogenetic location: 16q24.2.
Variant type: single nucleotide variant.
Coding change: c.8017G>C on transcript NM_001367624.2 (MANE Select); coding-DNA position 8017, G replaced by C.
Protein change: p.Ala2673Pro; replaces alanine 2673 with proline.
Molecular consequence: missense variant.
Genome position (GRCh38, 1-based): chr16:88,435,487, G>C. VCF-style: chr16-88435487-G-C. GRCh37 (hg19) VCF-style: chr16-88501895-G-C.
Other names: short protein forms A2673P.
Identifiers: ClinVar variation 1442983 (VCV001442983.5), dbSNP rs988538767, ClinGen allele CA286383447.

ClinVar aggregate classification (germline): Uncertain significance (1 of 4 stars; one submission).

Allele frequency attached by ClinVar (database versions not stated): gnomAD exomes below 0.00001 and 0.00002; TOPMed 0.00002.
gnomAD v4.1: 6 of 1,548,974 alleles (0.00039%); highest among the groups gnomAD compares: Admixed American, 0.0098%; no homozygotes.

Submission:

Labcorp Genetics (formerly Invitae), Labcorp
Classification: Uncertain significance. Last evaluated: 2022-08-09. Review status: criteria provided, single submitter. Criteria: Invitae Variant Classification Sherloc (09022015). Collection method: clinical testing. Allele origin: germline.
Comment: This sequence change replaces alanine, which is neutral and non-polar, with proline, which is neutral and non-polar, at codon 2645 of the ZNF469 protein (p.Ala2645Pro). This variant is present in population databases (no rsID available, gnomAD 0.01%). This variant has not been reported in the literature in individuals affected with ZNF469-related conditions. ClinVar contains an entry for this variant (Variation ID: 1442983). Algorithms developed to predict the effect of missense changes on protein structure and function output the following: SIFT: "Tolerated"; PolyPhen-2: "Possibly Damaging"; Align-GVGD: "Class C0". The proline amino acid residue is found in multiple mammalian species, which suggests that this missense change does not adversely affect protein function. In summary, the available evidence is currently insufficient to determine the role of this variant in disease. Therefore, it has been classified as a Variant of Uncertain Significance.